The following is an entry in ClinVar:

ClinVar aggregate classification (germline): Uncertain significance. Review status: criteria provided, multiple submitters, no conflicts (2 of 4 stars). 2 submissions from 2 submitters: Uncertain significance (2). Last evaluated 2024-07-30.

Conditions:
Primary ciliary dyskinesia. Also called: Ciliary dyskinesia. Identifiers: Orphanet 244, MedGen C0008780, MONDO:0016575, HP:0012265.

Allele frequency attached by ClinVar (database versions not stated): gnomAD exomes 0.00001 and 0.00002; TOPMed 0.00002; gnomAD 0.00003; ExAC 0.00004.

Submissions (2):

Blueprint Genetics
Classification: Uncertain significance. Last evaluated: 2024-07-30. Review status: criteria provided, single submitter. Criteria: ACMG Guidelines, 2015. Collection method: clinical testing. Allele origin: germline.

Labcorp Genetics (formerly Invitae), Labcorp
Classification: Uncertain significance for Primary ciliary dyskinesia. Last evaluated: 2021-08-27. Review status: criteria provided, single submitter. Criteria: Invitae Variant Classification Sherloc (09022015). Collection method: clinical testing. Allele origin: germline.
Comment: This sequence change replaces serine with asparagine at codon 82 of the CCDC39 protein (p.Ser82Asn). The serine residue is highly conserved and there is a small physicochemical difference between serine and asparagine. This variant is present in population databases (rs776886552, ExAC 0.04%). This variant has not been reported in the literature in individuals affected with CCDC39-related conditions. Algorithms developed to predict the effect of missense changes on protein structure and function are either unavailable or do not agree on the potential impact of this missense change (SIFT: "Tolerated"; PolyPhen-2: "Possibly Damaging"; Align-GVGD: "Class C0"). In summary, the available evidence is currently insufficient to determine the role of this variant in disease. Therefore, it has been classified as a Variant of Uncertain Significance.

NM_181426.2(CCDC39):c.245G>A (p.Ser82Asn)

Gene: CCDC39 (coiled-coil domain 39 molecular ruler complex subunit; minus strand). Cytogenetic location: 3q26.33.
Variant type: single nucleotide variant.
Coding change: c.245G>A on transcript NM_181426.2 (MANE Select); coding-DNA position 245, G replaced by A.
Protein change: p.Ser82Asn; replaces serine 82 with asparagine.
Molecular consequence: missense variant.
Genome position (GRCh38, 1-based): chr3:180,661,973, C>T on the plus strand (G>A on the coding strand, the complement: CCDC39 is on the minus strand). VCF-style: chr3-180661973-C-T. GRCh37 (hg19) VCF-style: chr3-180379761-C-T.
Other names: short protein forms S82N.
Identifiers: ClinVar variation 959773 (VCV000959773.7), dbSNP rs776886552, ClinGen allele CA2716213.
Genomic context (GRCh38, chr3:180,661,973, plus strand): 5'-TGAATTTCATCTTTCACTCGTCCCAATTCTCTTTGAGCAATGGCCTTAAAATGTTCTTCA[C>T]TTTCAGTCTCACGCTCCCTTGCTTTGCAAAGAGACTACAGAATAACACACAAGATAAAAA-3'
Protein context (NP_852091.1, residues 72-92): LCKARERETE[Ser82Asn]EEHFKAIAQR